The following is an entry in ClinVar:

NM_005762.3(TRIM28):c.1323+5G>A

Gene: TRIM28 (tripartite motif containing 28; plus strand). Cytogenetic location: 19q13.43.
Variant type: single nucleotide variant.
Coding change: c.1323+5G>A on transcript NM_005762.3 (MANE Select); 5 bases into the intron after coding-DNA position 1323, G replaced by A.
Molecular consequence: intron variant.
Genome position (GRCh38, 1-based): chr19:58,548,597, G>A. VCF-style: chr19-58548597-G-A. GRCh37 (hg19) VCF-style: chr19-59059964-G-A.
Identifiers: ClinVar variation 3051340 (VCV003051340.5), dbSNP rs188625169, ClinGen allele CA9719192.
Genomic context (GRCh38, chr19:58,548,597, plus strand): 5'-TGGCCCCTCCAAGAGCCCCAGGGCCCCTGAGCAAGCAGGGCTCTGGCAGCAGCCAGGTGA[G>A]CAGGAGAGAGGACCCAGGAAGGGGTGGGCAGGGAATGGGGTCCAGTAGCAGGAGAGAGGA-3'

ClinVar aggregate classification (germline): Benign. Review status: criteria provided, single submitter (1 of 4 stars). 2 submissions from 2 submitters: Benign (1). 1 of the submissions does not count toward it. Last evaluated 2026-01-06.

Conditions:
TRIM28-related disorder. Also called: TRIM28-related condition.

Allele frequency attached by ClinVar (database versions not stated): gnomAD exomes 0.00010; ExAC 0.00033; 1000 Genomes Project 30x 0.00047; 1000 Genomes Project 0.00060; gnomAD 0.00116; TOPMed 0.00143; ESP Exome Variant Server 0.00154.
gnomAD v4.1: 331 of 1,609,888 alleles (0.021%); highest among the groups gnomAD compares: African/African-American, 0.39%; no homozygotes.

Submissions (6):

Labcorp Genetics (formerly Invitae), Labcorp
Classification: Benign. Last evaluated: 2026-01-06. Review status: criteria provided, single submitter. Criteria: Invitae Variant Classification Sherloc (09022015). Collection method: clinical testing. Allele origin: germline.

PreventionGenetics, part of Exact Sciences
Classification: Likely benign for TRIM28-related condition. Last evaluated: 2022-08-10. Review status: no assertion criteria provided. Collection method: clinical testing. Allele origin: germline. Not counted in ClinVar's aggregate classification.
Comment: This variant is classified as likely benign based on ACMG/AMP sequence variant interpretation guidelines (Richards et al. 2015 PMID: 25741868, with internal and published modifications).

Dr. Peter K. Rogan Lab, Western University
No classification provided (evidence only). Condition: Familial cancer of breast. Review status: no classification provided. Collection method: in vitro. Allele origin: not applicable. Functional consequence: retained intron. Not counted in ClinVar's aggregate classification.

Dr. Peter K. Rogan Lab, Western University
No classification provided (evidence only). Condition: Uterine corpus endometrial carcinoma. Review status: no classification provided. Collection method: in vitro. Allele origin: not applicable. Functional consequence: retained intron. Not counted in ClinVar's aggregate classification.

Dr. Peter K. Rogan Lab, Western University
No classification provided (evidence only). Condition: Ovarian serous cystadenocarcinoma. Review status: no classification provided. Collection method: in vitro. Allele origin: not applicable. Functional consequence: retained intron. Not counted in ClinVar's aggregate classification.

Dr. Peter K. Rogan Lab, Western University
No classification provided (evidence only). Condition: Malignant tumor of esophagus. Review status: no classification provided. Collection method: in vitro. Allele origin: not applicable. Functional consequence: retained intron. Not counted in ClinVar's aggregate classification.